The following is an entry in ClinVar:

ClinVar aggregate classification (germline): Uncertain significance. Review status: criteria provided, multiple submitters, no conflicts (2 of 4 stars). 2 submissions from 2 submitters: Uncertain significance (2). Last evaluated 2024-11-25.

Conditions:
Hyper-IgE recurrent infection syndrome 3, autosomal recessive. Also called: Autosomal recessive hyper-IgE syndrome due to ZNF341 deficiency; HYPER-IgE SYNDROME 3, AUTOSOMAL RECESSIVE, WITH RECURRENT INFECTIONS. Identifiers: Orphanet 641368, MedGen C4748969, MONDO:0032654, OMIM 618282.
Inborn genetic diseases. Identifiers: MedGen C0950123, MeSH D030342.

Allele frequency attached by ClinVar (database versions not stated): TOPMed below 0.00001; ExAC 0.00001; gnomAD exomes 0.00001.
gnomAD v4.1: 13 of 1,592,152 alleles (0.00082%); highest among the groups gnomAD compares: Non-Finnish European, 0.001%; no homozygotes.

Submissions (2):

Ambry Genetics
Classification: Uncertain significance for Inborn genetic diseases. Last evaluated: 2024-11-25. Review status: criteria provided, single submitter. Criteria: Ambry Variant Classification Scheme 2023. Collection method: clinical testing. Allele origin: germline.

Labcorp Genetics (formerly Invitae), Labcorp
Classification: Uncertain significance for Combined immunodeficiency due to DOCK8 deficiency. Last evaluated: 2021-05-24. Review status: criteria provided, single submitter. Criteria: Invitae Variant Classification Sherloc (09022015). Collection method: clinical testing. Allele origin: germline.
Comment: In summary, the available evidence is currently insufficient to determine the role of this variant in disease. Therefore, it has been classified as a Variant of Uncertain Significance. Algorithms developed to predict the effect of missense changes on protein structure and function (SIFT, PolyPhen-2, Align-GVGD) all suggest that this variant is likely to be tolerated, but these predictions have not been confirmed by published functional studies and their clinical significance is uncertain. This variant has not been reported in the literature in individuals with DOCK8-related conditions. This variant is present in population databases (rs749272308, ExAC 0.003%). This sequence change replaces alanine with proline at codon 13 of the DOCK8 protein (p.Ala13Pro). The alanine residue is weakly conserved and there is a small physicochemical difference between alanine and proline.

NM_203447.4(DOCK8):c.37G>C (p.Ala13Pro)

Genes: DOCK8 (dedicator of cytokinesis 8; plus strand), DOCK8-AS1 (DOCK8 antisense RNA 1; minus strand), LOC130001437 (ATAC-STARR-seq lymphoblastoid silent region 19722; plus strand). Cytogenetic location: 9p24.3.
Variant type: single nucleotide variant.
Coding change: c.37G>C on transcript NM_203447.4 (MANE Select); coding-DNA position 37, G replaced by C.
Protein change: p.Ala13Pro; replaces alanine 13 with proline.
Molecular consequence: missense variant. On other transcripts: non-coding transcript variant (1).
Genome position (GRCh38, 1-based): chr9:215,013, G>C. VCF-style: chr9-215013-G-C. GRCh37 (hg19) VCF-style: chr9-215013-G-C.
Other names: c.37G>C (NM_203447.3); short protein forms A13P.
Identifiers: ClinVar variation 1061220 (VCV001061220.8), dbSNP rs749272308, ClinGen allele CA4956912.
Genomic context (GRCh38, chr9:215,013, plus strand): 5'-AAGCCACCGAACCGCCGGCGGGCCATGGCCACTCTGCCGAGCGCAGAGCGCCGCGCGTTC[G>C]CGCTCAAGATCAACAGGTAAGACGCCCCCCGCGGCGCGCAGGTTGCGGCCGGACAGCCCA-3'
Protein context (NP_982272.2, residues 3-23): TLPSAERRAF[Ala13Pro]LKINRYSSAE